The following is an entry in ClinVar:

ClinVar aggregate classification (germline): Likely benign (1 of 4 stars; one submission).

Allele frequency attached by ClinVar (database versions not stated): gnomAD exomes 0.00019; ExAC 0.00092; TOPMed 0.00256; gnomAD 0.00249; 1000 Genomes Project 0.00280; 1000 Genomes Project 30x 0.00281.
gnomAD v4.1: 658 of 1,547,272 alleles (0.043%); highest among the groups gnomAD compares: African/African-American, 0.79%; 4 homozygotes.

Submission:

CeGaT Center for Human Genetics Tuebingen
Classification: Likely benign. Last evaluated: 2023-04-01. Review status: criteria provided, single submitter. Criteria: CeGaT Center For Human Genetics Tuebingen Variant Classification Criteria Version 2. Collection method: clinical testing. Allele origin: germline. Affected: yes. Observed: 1 variant allele.
Comment: KCNMB3: BP4, BS2

NM_001163677.2(KCNMB3):c.473G>C (p.Arg158Thr)

Genes: KCNMB3 (potassium calcium-activated channel subfamily M regulatory beta subunit 3; minus strand), PIK3CA (phosphatidylinositol-4,5-bisphosphate 3-kinase catalytic subunit alpha; plus strand). Cytogenetic location: 3q26.32.
Variant type: single nucleotide variant.
Coding change: c.473G>C on transcript NM_001163677.2; coding-DNA position 473, G replaced by C.
Protein change: p.Arg158Thr; replaces arginine 158 with threonine.
Molecular consequence: missense variant. On other transcripts: non-coding transcript variant (1), 3 prime UTR variant (1).
Genome position (GRCh38, 1-based): chr3:179,240,045, C>G on the plus strand (G>C on the coding strand, the complement: KCNMB3 is on the minus strand). VCF-style: chr3-179240045-C-G. GRCh37 (hg19) VCF-style: chr3-178957833-C-G.
Other names: c.*5681C>G (NM_006218.4); short protein forms R158T.
Identifiers: ClinVar variation 2654288 (VCV002654288.22), dbSNP rs140852530, ClinGen allele CA2711072.